The following is an entry in ClinVar:

ClinVar aggregate classification (germline): Pathogenic/Likely pathogenic. Review status: criteria provided, multiple submitters, no conflicts (2 of 4 stars). 2 submissions from 2 submitters: Pathogenic (1); Likely pathogenic (1). Last evaluated 2024-07-17.

Conditions:
Tay-Sachs disease (TSD). Also called: HEXA DEFICIENCY; GM2 gangliosidosis, type 1; Hexosaminidase alpha-subunit deficiency (variant B); Sphingolipidosis, Tay-Sachs; Hexosaminidase A Deficiency; HEXA Disorders. Identifiers: Orphanet 845, MedGen C0039373, MONDO:0010100, OMIM 272800.

Allele frequency attached by ClinVar (database versions not stated): gnomAD exomes below 0.00001; ExAC 0.00001.
gnomAD v4.1: 1 of 1,605,712 alleles (0.000062%); highest among the groups gnomAD compares: Non-Finnish European, 0.000085%; no homozygotes.

Submissions (2):

Natera, Inc.
Classification: Likely pathogenic for Tay-Sachs disease. Last evaluated: 2024-07-17. Review status: criteria provided, single submitter. Criteria: Natera Variant Classification Schema (03/2026). Collection method: clinical testing. Allele origin: germline.
Comment: The c.1069C>T variant in HEXA is a nonsense variant predicted to introduce a stop codon at amino acid 357. This variant is expected to result in nonsense mediated decay, truncation, or a dysfunctional protein product. This variant is rare in the general population with a frequency below the threshold expected for the associated phenotype(s). Given the available evidence, this variant is classified as Likely Pathogenic.

Labcorp Genetics (formerly Invitae), Labcorp
Classification: Pathogenic for Tay-Sachs disease. Last evaluated: 2022-10-31. Review status: criteria provided, single submitter. Criteria: Invitae Variant Classification Sherloc (09022015). Collection method: clinical testing. Allele origin: germline.
Comment: For these reasons, this variant has been classified as Pathogenic. This variant has not been reported in the literature in individuals affected with HEXA-related conditions. This variant is present in population databases (rs779456035, gnomAD 0.0009%). This sequence change creates a premature translational stop signal (p.Gln357*) in the HEXA gene. It is expected to result in an absent or disrupted protein product. Loss-of-function variants in HEXA are known to be pathogenic (PMID: 1833974, 8490625).

Literature cited by the submitters: PubMed 1833974 (cited by Labcorp Genetics (formerly Invitae), Labcorp); PubMed 8490625 (cited by Labcorp Genetics (formerly Invitae), Labcorp).

NM_000520.6(HEXA):c.1069C>T (p.Gln357Ter)

Gene: HEXA (hexosaminidase subunit alpha; minus strand). Cytogenetic location: 15q23.
Variant type: single nucleotide variant.
Coding change: c.1069C>T on transcript NM_000520.6 (MANE Select); coding-DNA position 1069, C replaced by T.
Protein change: p.Gln357Ter; replaces glutamine 357 with a stop codon.
Molecular consequence: nonsense. On other transcripts: non-coding transcript variant (1).
Genome position (GRCh38, 1-based): chr15:72,348,052, G>A on the plus strand (C>T on the coding strand, the complement: HEXA is on the minus strand). VCF-style: chr15-72348052-G-A. GRCh37 (hg19) VCF-style: chr15-72640393-G-A.
Other names: c.1102C>T, p.Gln368Ter (NM_001318825.2); c.1069C>T (NM_000520.5); short protein forms Q357*, Q368*.
Identifiers: ClinVar variation 2810898 (VCV002810898.4), dbSNP rs779456035, ClinGen allele CA7644830.